The following is an entry in ClinVar:

ClinVar aggregate classification (germline): Uncertain significance (1 of 4 stars; one submission).

Submission:

Labcorp Genetics (formerly Invitae), Labcorp
Classification: Uncertain significance. Last evaluated: 2022-06-13. Review status: criteria provided, single submitter. Criteria: Invitae Variant Classification Sherloc (09022015). Collection method: clinical testing. Allele origin: germline.
Comment: This sequence change replaces arginine, which is basic and polar, with leucine, which is neutral and non-polar, at codon 762 of the TBCK protein (p.Arg762Leu). This variant is not present in population databases (gnomAD no frequency). This variant has not been reported in the literature in individuals affected with TBCK-related conditions. Algorithms developed to predict the effect of missense changes on protein structure and function are either unavailable or do not agree on the potential impact of this missense change (SIFT: "Deleterious"; PolyPhen-2: "Benign"; Align-GVGD: "Class C0"). In summary, the available evidence is currently insufficient to determine the role of this variant in disease. Therefore, it has been classified as a Variant of Uncertain Significance.

NM_001163435.3(TBCK):c.2285G>T (p.Arg762Leu)

Gene: TBCK (TBC1 domain containing kinase; minus strand). Cytogenetic location: 4q24.
Variant type: single nucleotide variant.
Coding change: c.2285G>T on transcript NM_001163435.3 (MANE Select); coding-DNA position 2285, G replaced by T.
Protein change: p.Arg762Leu; replaces arginine 762 with leucine.
Molecular consequence: missense variant.
Genome position (GRCh38, 1-based): chr4:106,116,329, C>A on the plus strand (G>T on the coding strand, the complement: TBCK is on the minus strand). VCF-style: chr4-106116329-C-A. GRCh37 (hg19) VCF-style: chr4-107037486-C-A.
Other names: c.2285G>T, p.Arg762Leu (NM_001163436.4); c.2168G>T, p.Arg723Leu (NM_001163437.3); c.1769G>T, p.Arg590Leu (NM_001290768.2); c.2096G>T, p.Arg699Leu (NM_033115.5); short protein forms R590L, R699L, R723L, R762L.
Identifiers: ClinVar variation 1364304 (VCV001364304.5), dbSNP rs892052198, ClinGen allele CA357972161.
Genomic context (GRCh38, chr4:106,116,329, plus strand): 5'-GTTTTGAAGTGGCCTGTCACTGTGAGCTCACACAAGTCAATCAGGTCCTCTGCTGAAATC[C>A]GTGGTGATACTTCTGACTTCAGGTCATTTAATGGGATGGATTCTCTTGACTGAAAAAAAA-3'
Protein context (NP_001156907.2, residues 752-772): LNDLKSEVSP[Arg762Leu]ISAEDLIDLC